The following is an entry in ClinVar:

ClinVar aggregate classification (germline): Uncertain significance (1 of 4 stars; one submission).

Conditions:
Hereditary nonpolyposis colorectal neoplasms. Identifiers: MedGen C0009405, MeSH D003123.

Submission:

Labcorp Genetics (formerly Invitae), Labcorp
Classification: Uncertain significance for Hereditary nonpolyposis colorectal neoplasms. Last evaluated: 2018-07-09. Review status: criteria provided, single submitter. Criteria: Invitae Variant Classification Sherloc (09022015). Collection method: clinical testing. Allele origin: germline.
Comment: In summary, the available evidence is currently insufficient to determine the role of this variant in disease. Therefore, it has been classified as a Variant of Uncertain Significance. This sequence change replaces lysine with asparagine at codon 828 of the PMS2 protein (p.Lys828Asn). The lysine residue is moderately conserved and there is a moderate physicochemical difference between lysine and asparagine. This variant has not been reported in the literature in individuals with PMS2-related disease. Algorithms developed to predict the effect of missense changes on protein structure and function are either unavailable or do not agree on the potential impact of this missense change (SIFT: "Tolerated"; PolyPhen-2: "Probably Damaging"; Align-GVGD: "Class C0"). The frequency data for this variant in the population databases is considered unreliable due to the presence of homologous sequence, such as pseudogenes or paralogs, in the genome.

NM_000535.7(PMS2):c.2484G>T (p.Lys828Asn)

Gene: PMS2 (PMS1 homolog 2, mismatch repair system component; minus strand). Cytogenetic location: 7p22.1.
Variant type: single nucleotide variant.
Coding change: c.2484G>T on transcript NM_000535.7 (MANE Select); coding-DNA position 2484, G replaced by T.
Protein change: p.Lys828Asn; replaces lysine 828 with asparagine.
Molecular consequence: missense variant. On other transcripts: non-coding transcript variant (1).
Genome position (GRCh38, 1-based): chr7:5,973,504, C>A on the plus strand (G>T on the coding strand, the complement: PMS2 is on the minus strand). VCF-style: chr7-5973504-C-A. GRCh37 (hg19) VCF-style: chr7-6013135-C-A.
Other names: c.2166G>T, p.Lys722Asn (NM_001322008.2, NM_001322007.2); c.2112G>T, p.Lys704Asn (NM_001322009.2); c.1923G>T, p.Lys641Asn (NM_001322010.2); c.1551G>T, p.Lys517Asn (NM_001322011.2, NM_001322012.2); c.1911G>T, p.Lys637Asn (NM_001322013.2); c.2517G>T, p.Lys839Asn (NM_001322014.2); c.2175G>T, p.Lys725Asn (NM_001322015.2); c.2079G>T, p.Lys693Asn (NM_001322003.2, NM_001322004.2, NM_001322005.2); and 1 more; short protein forms K704N, K722N, K725N, K839N, K641N, K693N, K637N, K776N.
Identifiers: ClinVar variation 664377 (VCV000664377.8), dbSNP rs1583269995, ClinGen allele CA366734960.